The following is an entry in ClinVar:

ClinVar aggregate classification (germline): Pathogenic (1 of 4 stars; one submission).

Submission:

Labcorp Genetics (formerly Invitae), Labcorp
Classification: Pathogenic. Last evaluated: 2022-02-18. Review status: criteria provided, single submitter. Criteria: Invitae Variant Classification Sherloc (09022015). Collection method: clinical testing. Allele origin: germline.
Comment: For these reasons, this variant has been classified as Pathogenic. This variant has not been reported in the literature in individuals affected with KIF11-related conditions. This variant is not present in population databases (gnomAD no frequency). This sequence change creates a premature translational stop signal (p.Tyr311*) in the KIF11 gene. It is expected to result in an absent or disrupted protein product. Loss-of-function variants in KIF11 are known to be pathogenic (PMID: 22284827, 24281367).

Literature cited by the submitters: PubMed 22284827; PubMed 24281367.

NM_004523.4(KIF11):c.933T>A (p.Tyr311Ter)

Gene: KIF11 (kinesin family member 11; plus strand). Cytogenetic location: 10q23.33.
Variant type: single nucleotide variant.
Coding change: c.933T>A on transcript NM_004523.4 (MANE Select); coding-DNA position 933, T replaced by A.
Protein change: p.Tyr311Ter; replaces tyrosine 311 with a stop codon.
Molecular consequence: nonsense.
Genome position (GRCh38, 1-based): chr10:92,613,520, T>A. VCF-style: chr10-92613520-T-A. GRCh37 (hg19) VCF-style: chr10-94373277-T-A.
Other names: short protein forms Y311*.
Identifiers: ClinVar variation 2098933 (VCV002098933.4), dbSNP rs2492490339, ClinGen allele CA377590489.